The following is an entry in ClinVar:

NM_003579.4(RAD54L):c.731A>G (p.Asp244Gly)

Gene: RAD54L (RAD54 like; plus strand). Cytogenetic location: 1p34.1.
Variant type: single nucleotide variant.
Coding change: c.731A>G on transcript NM_003579.4 (MANE Select); coding-DNA position 731, A replaced by G.
Protein change: p.Asp244Gly; replaces aspartic acid 244 with glycine.
Molecular consequence: missense variant.
Genome position (GRCh38, 1-based): chr1:46,260,980, A>G. VCF-style: chr1-46260980-A-G. GRCh37 (hg19) VCF-style: chr1-46726652-A-G.
Other names: c.731A>G, p.Asp244Gly (NM_001142548.2); c.191A>G, p.Asp64Gly (NM_001370766.1); short protein forms D64G, D244G.
Identifiers: ClinVar variation 1758294 (VCV001758294.2), dbSNP rs2525670373, ClinGen allele CA340187775.

ClinVar aggregate classification (germline): Uncertain significance (1 of 4 stars; one submission).

gnomAD v4.1: 5 of 1,614,080 alleles (0.00031%); highest among the groups gnomAD compares: Non-Finnish European, 0.00042%; no homozygotes.

Submission:

Ambry Genetics
Classification: Uncertain significance. Last evaluated: 2022-07-06. Review status: criteria provided, single submitter. Criteria: Ambry Variant Classification Scheme 2023. Collection method: clinical testing. Allele origin: germline.
Comment: The p.D244G variant (also known as c.731A>G), located in coding exon 7 of the RAD54L gene, results from an A to G substitution at nucleotide position 731. The aspartic acid at codon 244 is replaced by glycine, an amino acid with similar properties. This amino acid position is conserved. In addition, this alteration is predicted to be deleterious by in silico analysis. Since supporting evidence is limited at this time, the clinical significance of this alteration remains unclear.